The following is an entry in ClinVar:

ClinVar aggregate classification (germline): Uncertain significance. Review status: criteria provided, multiple submitters, no conflicts (2 of 4 stars). 2 submissions from 2 submitters: Uncertain significance (2). Last evaluated 2025-05-15.

Conditions:
HSPD1-related disorder. Also called: HSPD1-related condition.
Inborn genetic diseases. Identifiers: MedGen C0950123, MeSH D030342.

gnomAD v4.1: 9 of 1,613,830 alleles (0.00056%); highest among the groups gnomAD compares: Non-Finnish European, 0.00068%; no homozygotes.

Submissions (2):

PreventionGenetics, part of Exact Sciences
Classification: Uncertain significance for HSPD1-related condition. Last evaluated: 2025-05-15. Review status: criteria provided, single submitter. Criteria: ACMG Guidelines, 2015. Collection method: clinical testing. Allele origin: germline.
Comment: The HSPD1 c.1369G>A variant is predicted to result in the amino acid substitution p.Ala457Thr. To our knowledge, this variant has not been reported in the literature. This variant is reported in 0.0018% of alleles in individuals of European (Non-Finnish) descent in gnomAD. At this time, the clinical significance of this variant is uncertain due to the absence of conclusive functional and genetic evidence.

Ambry Genetics
Classification: Uncertain significance for Inborn genetic diseases. Last evaluated: 2024-07-07. Review status: criteria provided, single submitter. Criteria: Ambry Variant Classification Scheme 2023. Collection method: clinical testing. Allele origin: germline.

NM_002156.5(HSPD1):c.1369G>A (p.Ala457Thr)

Gene: HSPD1 (heat shock protein family D (Hsp60) member 1; minus strand). Cytogenetic location: 2q33.1.
Variant type: single nucleotide variant.
Coding change: c.1369G>A on transcript NM_002156.5 (MANE Select); coding-DNA position 1369, G replaced by A.
Protein change: p.Ala457Thr; replaces alanine 457 with threonine.
Molecular consequence: missense variant.
Genome position (GRCh38, 1-based): chr2:197,488,338, C>T on the plus strand (G>A on the coding strand, the complement: HSPD1 is on the minus strand). VCF-style: chr2-197488338-C-T. GRCh37 (hg19) VCF-style: chr2-198353062-C-T.
Other names: c.1369G>A, p.Ala457Thr (NM_199440.2); short protein forms A457T.
Identifiers: ClinVar variation 3526989 (VCV003526989.2).